The following is an entry in ClinVar:

NM_000492.4(CFTR):c.2240C>A (p.Ala747Glu)

Gene: CFTR (CF transmembrane conductance regulator; plus strand). Cytogenetic location: 7q31.2.
Variant type: single nucleotide variant.
Coding change: c.2240C>A on transcript NM_000492.4 (MANE Select); coding-DNA position 2240, C replaced by A.
Protein change: p.Ala747Glu; replaces alanine 747 with glutamic acid.
Molecular consequence: missense variant.
Genome position (GRCh38, 1-based): chr7:117,592,407, C>A. VCF-style: chr7-117592407-C-A. GRCh37 (hg19) VCF-style: chr7-117232461-C-A.
Other names: short protein forms A747E.
Identifiers: ClinVar variation 1788274 (VCV001788274.2), dbSNP rs748908591, ClinGen allele CA368980576.

ClinVar aggregate classification (germline): Uncertain significance (1 of 4 stars; one submission).

Conditions:
Cystic fibrosis (CF). Also called: MUCOVISCIDOSIS. Identifiers: Orphanet 586, MedGen C0010674, MONDO:0009061, OMIM 219700. Disease mechanism: loss of function.

Submission:

Ambry Genetics
Classification: Uncertain significance for Cystic fibrosis. Last evaluated: 2022-05-04. Review status: criteria provided, single submitter. Criteria: Ambry Variant Classification Scheme 2023. Collection method: clinical testing. Allele origin: germline.
Comment: The p.A747E variant (also known as c.2240C>A), located in coding exon 14 of the CFTR gene, results from a C to A substitution at nucleotide position 2240. The alanine at codon 747 is replaced by glutamic acid, an amino acid with dissimilar properties. This amino acid position is conserved. In addition, the in silico prediction for this alteration is inconclusive. Since supporting evidence is limited at this time, the clinical significance of this alteration remains unclear.